The following is an entry in ClinVar:

NM_133379.5(TTN):c.12204C>T (p.Gly4068=)

Gene: TTN (titin; minus strand). Cytogenetic location: 2q31.2.
Variant type: single nucleotide variant.
Coding change: c.12204C>T on transcript NM_133379.5; coding-DNA position 12204, C replaced by T.
Protein change: p.Gly4068=; no amino-acid change (glycine 4068 retained).
Molecular consequence: synonymous variant. On other transcripts: intron variant (6).
Genome position (GRCh38, 1-based): chr2:178,750,196, G>A on the plus strand (C>T on the coding strand, the complement: TTN is on the minus strand). VCF-style: chr2-178750196-G-A. GRCh37 (hg19) VCF-style: chr2-179614923-G-A.
Other names: c.10222+2928C>T (NM_003319.4); c.10798+2928C>T (NM_133437.4); c.10597+2928C>T (NM_133432.3); c.10360+2928C>T (NM_133378.4, NM_001256850.1); c.11311+2928C>T (NM_001267550.2); c.12204C>T (NM_133379.4).
Identifiers: ClinVar variation 595303 (VCV000595303.8), dbSNP rs144330952, ClinGen allele CA2003593.
Genomic context (GRCh38, chr2:178,750,196, plus strand): 5'-TGGGTTAGTTTTTAACAAATGAAGATTTGTTTGGCCCTCTTGACTCATAGATGGATGGGC[G>A]CCTTTTGCTTGGTCAAACACCAATGCTAACTCTTCTTCCTCATCCAAGTAGTCATGGAAC-3'

ClinVar aggregate classification (germline): Conflicting classifications of pathogenicity. Review status: criteria provided, conflicting classifications (1 of 4 stars). 3 submissions from 3 submitters: Uncertain significance (1); Likely benign (1). 1 of the submissions does not count toward it. Last evaluated 2025-04-09.

Conditions:
TTN-related disorder. Also called: TTN-related disorders; TTN-related condition; TTN-related disease.

Allele frequency attached by ClinVar (database versions not stated): TOPMed 0.00024; gnomAD 0.00029 and 0.00030; gnomAD exomes 0.00005 and 0.00008; ExAC 0.00008; ESP Exome Variant Server 0.00038; 1000 Genomes Project 0.00080; 1000 Genomes Project 30x 0.00094.
gnomAD v4.1: 109 of 1,613,082 alleles (0.0068%); highest among the groups gnomAD compares: African/African-American, 0.069%; no homozygotes.

Submissions (3):

Molecular Diagnostic Laboratory for Inherited Cardiovascular Disease, Montreal Heart Institute
Classification: Likely benign. Last evaluated: 2025-04-09. Review status: criteria provided, single submitter. Criteria: ACMG Guidelines, 2015. Collection method: clinical testing. Allele origin: germline. Affected: no.
Comment: BP1

Eurofins Ntd Llc (ga)
Classification: Uncertain significance. Last evaluated: 2017-12-07. Review status: criteria provided, single submitter. Criteria: EGL Classification Definitions 2015. Collection method: clinical testing. Allele origin: germline. Observed: 2 variant alleles, 2 heterozygotes.

PreventionGenetics, part of Exact Sciences
Classification: Likely benign for TTN-related condition. Last evaluated: 2023-06-26. Review status: no assertion criteria provided. Collection method: clinical testing. Allele origin: germline. Not counted in ClinVar's aggregate classification.
Comment: This variant is classified as likely benign based on ACMG/AMP sequence variant interpretation guidelines (Richards et al. 2015 PMID: 25741868, with internal and published modifications).